The following is an entry in ClinVar:

ClinVar aggregate classification (germline): Benign. Review status: criteria provided, multiple submitters, no conflicts (2 of 4 stars). 16 submissions from 16 submitters: Benign (13). 3 of the submissions do not count toward it. Last evaluated 2026-02-04.

Conditions:
Cardiovascular phenotype. Identifiers: MedGen CN230736.
Dystrophin deficiency.
Becker muscular dystrophy (BMD). Also called: MUSCULAR DYSTROPHY, PSEUDOHYPERTROPHIC PROGRESSIVE, BECKER TYPE; Becker Muscular Dystrophy (BMD). Identifiers: Orphanet 98895, MedGen C0917713, MONDO:0010311, OMIM 300376.
Cardiomyopathy (CMYO). Also called: Cardiomyopathies. Identifiers: Orphanet 167848, MedGen C0878544, MONDO:0004994, HP:0001638. Inheritance: Various modes of inheritance.
Duchenne muscular dystrophy (DMD). Also called: Duchenne Muscular Dystrophy (DMD); MUSCULAR DYSTROPHY, PSEUDOHYPERTROPHIC PROGRESSIVE, DUCHENNE TYPE. Identifiers: Orphanet 98896, MedGen C0013264, MONDO:0010679, OMIM 310200.
Dilated cardiomyopathy 3B (CMD3B). Also called: CMD3B: DMD-Related Dilated Cardiomyopathy; CARDIOMYOPATHY, DILATED, X-LINKED; DMD-Associated Dilated Cardiomyopathy. Identifiers: Orphanet 154, MedGen C3668940, MONDO:0010542, OMIM 302045.

Allele frequency attached by ClinVar (database versions not stated): ExAC 0.00757; gnomAD exomes 0.00215 and 0.00604; gnomAD 0.02010 and 0.02120; 1000 Genomes Project 30x 0.02331; ESP Exome Variant Server 0.02481; TOPMed 0.02149; 1000 Genomes Project 0.02278.
gnomAD v4.1: 4,732 of 1,208,825 alleles (0.39%); highest among the groups gnomAD compares: African/African-American, 6.8%; 97 homozygotes.

Submissions (16):

Labcorp Genetics (formerly Invitae), Labcorp
Classification: Benign for Duchenne muscular dystrophy. Last evaluated: 2026-02-04. Review status: criteria provided, single submitter. Criteria: Invitae Variant Classification Sherloc (09022015). Collection method: clinical testing. Allele origin: germline.

Molecular Diagnostic Laboratory for Inherited Cardiovascular Disease, Montreal Heart Institute
Classification: Benign. Last evaluated: 2025-07-24. Review status: criteria provided, single submitter. Criteria: ACMG Guidelines, 2015. Collection method: clinical testing. Allele origin: germline. Affected: no.

ARUP Laboratories, Molecular Genetics and Genomics, ARUP Laboratories
Classification: Benign. Last evaluated: 2025-05-20. Review status: criteria provided, single submitter. Criteria: ARUP Molecular Germline Variant Investigation Process 2024. Collection method: clinical testing. Allele origin: germline.

Mayo Clinic Laboratories, Mayo Clinic
Classification: Benign. Last evaluated: 2023-12-08. Review status: criteria provided, single submitter. Criteria: ACMG Guidelines, 2015. Collection method: clinical testing. Allele origin: germline. Observed: 23 variant alleles.

Women's Health and Genetics/Laboratory Corporation of America, LabCorp
Classification: Benign. Last evaluated: 2022-04-29. Review status: criteria provided, single submitter. Criteria: LabCorp Variant Classification Summary - May 2015. Collection method: clinical testing. Allele origin: germline.

Illumina Laboratory Services, Illumina
Classification: Benign for Dilated cardiomyopathy 3B. Last evaluated: 2018-01-12. Review status: criteria provided, single submitter. Criteria: ICSL Variant Classification Criteria 13 December 2019. Collection method: clinical testing. Allele origin: germline.
Comment: This variant was observed in the ICSL laboratory as part of a predisposition screen in an ostensibly healthy population. It had not been previously curated by ICSL or reported in the Human Gene Mutation Database (HGMD: prior to June 1st, 2018), and was therefore a candidate for classification through an automated scoring system. Utilizing variant allele frequency, disease prevalence and penetrance estimates, and inheritance mode, an automated score was calculated to assess if this variant is too frequent to cause the disease. Based on the score and internal cut-off values, a variant classified as benign is not then subjected to further curation. The score for this variant resulted in a classification of benign for this disease.

Athena Diagnostics
Classification: Benign. Last evaluated: 2017-12-06. Review status: criteria provided, single submitter. Criteria: Athena Diagnostics Criteria. Collection method: clinical testing. Allele origin: germline.

Ambry Genetics
Classification: Benign for Cardiovascular phenotype. Last evaluated: 2016-03-26. Review status: criteria provided, single submitter. Criteria: Ambry Variant Classification Scheme 2023. Collection method: clinical testing. Allele origin: germline.

Eurofins Ntd Llc (ga)
Classification: Benign. Last evaluated: 2016-01-25. Review status: criteria provided, single submitter. Criteria: EGL Classification Definitions 2015. Collection method: clinical testing. Allele origin: germline. Observed: 6 variant alleles, 3 heterozygotes, 3 hemizygotes.

Laboratory for Molecular Medicine, Mass General Brigham Personalized Medicine
Classification: Benign. Last evaluated: 2015-03-20. Review status: criteria provided, single submitter. Criteria: LMM Criteria. Collection method: clinical testing. Allele origin: germline. Observed: 7 variant alleles.
Comment: p.Val1626Val in exon 35 of DMD: This variant is not expected to have clinical si gnificance because it has been identified in 7.0% (596/8489) of African chromoso mes by the Exome Aggregation Consortium (ExAC; d bSNP rs61733574).

GeneDx
Classification: Benign. Last evaluated: 2014-01-27. Review status: criteria provided, single submitter. Criteria: GeneDx Variant Classification (06012015). Collection method: clinical testing. Allele origin: germline. Affected: yes.
Comment: This variant is considered likely benign or benign based on one or more of the following criteria: it is a conservative change, it occurs at a poorly conserved position in the protein, it is predicted to be benign by multiple in silico algorithms, and/or has population frequency not consistent with disease.

Breakthrough Genomics
Classification: Benign. Review status: criteria provided, single submitter. Criteria: ACMG Guidelines, 2015. Collection method: not provided. Allele origin: germline. Inheritance: X-linked inheritance. Affected: yes.

PreventionGenetics, part of Exact Sciences
Classification: Benign. Review status: criteria provided, single submitter. Criteria: ACMG Guidelines, 2015. Collection method: clinical testing. Allele origin: germline.

Natera, Inc.
Classification: Benign for Becker muscular dystrophy; Cardiomyopathy; Duchenne muscular dystrophy; Dystrophin deficiency. Last evaluated: 2017-04-21. Review status: no assertion criteria provided. Collection method: clinical testing. Allele origin: germline. Not counted in ClinVar's aggregate classification.

Diagnostic Laboratory, Department of Genetics, University Medical Center Groningen
Classification: Benign. Review status: no assertion criteria provided. Collection method: clinical testing. Allele origin: germline. Affected: yes. Study: VKGL Data-share Consensus. Not counted in ClinVar's aggregate classification.

Laboratory of Diagnostic Genome Analysis, Leiden University Medical Center (LUMC)
Classification: Likely benign. Review status: no assertion criteria provided. Collection method: clinical testing. Allele origin: germline. Affected: yes. Study: VKGL Data-share Consensus. Not counted in ClinVar's aggregate classification.

Literature cited by the submitters: PubMed 19937601 (cited by Athena Diagnostics).

NM_004006.3(DMD):c.4878G>T (p.Val1626=)

Gene: DMD (dystrophin; minus strand). Cytogenetic location: Xp21.1.
Variant type: single nucleotide variant.
Coding change: c.4878G>T on transcript NM_004006.3 (MANE Select); coding-DNA position 4878, G replaced by T.
Protein change: p.Val1626=; no amino-acid change (valine 1626 retained).
Molecular consequence: synonymous variant.
Genome position (GRCh38, 1-based): chrX:32,365,167, C>A on the plus strand (G>T on the coding strand, the complement: DMD is on the minus strand). VCF-style: chrX-32365167-C-A. GRCh37 (hg19) VCF-style: chrX-32383284-C-A.
Other names: p.V1626V:GTG>GTT; p.Val1626=; c.4509G>T, p.Val1503= (NM_004010.3); c.855G>T, p.Val285= (NM_004011.4); c.846G>T, p.Val282= (NM_004012.4); c.4854G>T, p.Val1618= (NM_000109.4); c.4866G>T, p.Val1622= (NM_004009.3).
Identifiers: ClinVar variation 94642 (VCV000094642.41), dbSNP rs61733574, ClinGen allele CA295455.